The following is an entry in ClinVar:

ClinVar aggregate classification (germline): Benign. Review status: criteria provided, multiple submitters, no conflicts (2 of 4 stars). 2 submissions from 2 submitters: Benign (2). Last evaluated 2026-06-11.

Conditions:
ARNT2-related disorder. Also called: ARNT2-related condition.

Submissions (2):

PreventionGenetics, part of Exact Sciences
Classification: Benign for ARNT2-related condition. Last evaluated: 2026-06-11. Review status: criteria provided, single submitter. Criteria: ACMG Guidelines, 2015. Collection method: clinical testing. Allele origin: germline.
Comment: This variant is classified as benign based on ACMG/AMP sequence variant interpretation guidelines (Richards et al. 2015 PMID: 25741868, with internal and published modifications).

Labcorp Genetics (formerly Invitae), Labcorp
Classification: Benign. Last evaluated: 2025-12-24. Review status: criteria provided, single submitter. Criteria: Invitae Variant Classification Sherloc (09022015). Collection method: clinical testing. Allele origin: germline.

NM_014862.4(ARNT2):c.623-14TC[6]

Gene: ARNT2 (aryl hydrocarbon receptor nuclear translocator 2; plus strand). Cytogenetic location: 15q25.1.
Variant type: Microsatellite.
Coding change: c.623-14TC[6] on transcript NM_014862.4 (MANE Select); six copies in a row of the 2-base unit TC starting at c.623-14.
Molecular consequence: intron variant.
Genome position: GRCh38 VCF-style: chr15-80508141-T-TTC. GRCh37 (hg19) VCF-style: chr15-80800482-T-TTC.
Other names: c.623-5_623-4dupCT (NM_014862.3).
Identifiers: ClinVar variation 1601739 (VCV001601739.9), dbSNP rs201042855, ClinGen allele CA7691754.